The following is an entry in ClinVar:

ClinVar aggregate classification (germline): Pathogenic (1 of 4 stars; one submission).

Conditions:
Supravalvar aortic stenosis (SVAS). Also called: Supravalvar aortic stenosis, Eisenberg type. Identifiers: Orphanet 3193, MedGen C0003499, MONDO:0008504, OMIM 185500, HP:0004381.

Submission:

Labcorp Genetics (formerly Invitae), Labcorp
Classification: Pathogenic for Supravalvar aortic stenosis. Last evaluated: 2025-05-01. Review status: criteria provided, single submitter. Criteria: Invitae Variant Classification Sherloc (09022015). Collection method: clinical testing. Allele origin: germline.
Comment: This sequence change creates a premature translational stop signal (p.Gly272*) in the ELN gene. It is expected to result in an absent or disrupted protein product. Loss-of-function variants in ELN are known to be pathogenic (PMID: 11175284). This variant is not present in population databases (gnomAD no frequency). This variant has not been reported in the literature in individuals affected with ELN-related conditions. For these reasons, this variant has been classified as Pathogenic.

Literature cited by the submitters: PubMed 11175284.

NM_000501.4(ELN):c.814G>T (p.Gly272Ter)

Gene: ELN (elastin; plus strand). Cytogenetic location: 7q11.23.
Variant type: single nucleotide variant.
Coding change: c.814G>T on transcript NM_000501.4 (MANE Select); coding-DNA position 814, G replaced by T.
Protein change: p.Gly272Ter; replaces glycine 272 with a stop codon.
Molecular consequence: nonsense.
Genome position (GRCh38, 1-based): chr7:74,051,764, G>T. VCF-style: chr7-74051764-G-T. GRCh37 (hg19) VCF-style: chr7-73466094-G-T.
Other names: c.829G>T, p.Gly277Ter (NM_001081753.3, NM_001081754.3); c.814G>T, p.Gly272Ter (NM_001081755.3, NM_001278912.2, NM_001278915.2 and 1 more transcripts); c.706G>T, p.Gly236Ter (NM_001278913.2); c.799G>T, p.Gly267Ter (NM_001278914.2); c.772G>T, p.Gly258Ter (NM_001278916.2); c.784G>T, p.Gly262Ter (NM_001278917.2, NM_001081752.3); c.682G>T, p.Gly228Ter (NM_001278918.2); short protein forms G272*, G236*, G262*, G267*, G228*, G258*, G277*.
Identifiers: ClinVar variation 4292483 (VCV004292483.2), dbSNP rs527441189.